The following is an entry in ClinVar:

ClinVar aggregate classification (germline): Uncertain significance (1 of 4 stars; one submission).

Submission:

Women's Health and Genetics/Laboratory Corporation of America, LabCorp
Classification: Uncertain significance. Last evaluated: 2026-02-18. Review status: criteria provided, single submitter. Criteria: LabCorp Variant Classification Summary - May 2015. Collection method: clinical testing. Allele origin: germline.
Comment: Variant summary: MCPH1 c.1974_1977delAAAG (p.Glu658AspfsX12) results in a premature termination codon, predicted to cause a truncation of the encoded protein or absence of the protein due to nonsense mediated decay, which are commonly known mechanisms for disease. The variant was absent in 249572 control chromosomes. The available data on variant occurrences in the general population are insufficient to allow any conclusion about variant significance. To our knowledge, no occurrence of c.1974_1977delAAAG in individuals affected with MCPH1-related conditions and no experimental evidence demonstrating its impact on protein function have been reported. ClinVar contains an entry for this variant (Variation ID: 2506054). Based on the evidence outlined above, the variant was classified as uncertain significance.

NM_024596.5(MCPH1):c.1974_1977delAAAG

Gene: MCPH1 (microcephalin 1; plus strand). Cytogenetic location: 8p23.1.
Variant type: Deletion.
Coding change: c.1974_1977delAAAG on transcript NM_024596.5 (MANE Select); coding-DNA positions 1974 to 1977, 4 bases deleted (AAAG).
Molecular consequence: splice acceptor variant. On other transcripts: intron variant (1).
Genome position (GRCh38, 1-based): chr8:6,480,714-6,480,717, AAAG deleted; deleting any 4 consecutive bases within chr8:6,480,712-6,480,717 gives the same sequence; the c. name uses the placement nearest the transcript's 3' end. VCF-style (leftmost placement, unchanged base first): chr8-6480711-CAGAA-C. GRCh37 (hg19) VCF-style: chr8-6338232-CAGAA-C.
Other names: c.1935+25462_1935+25465del (NM_001363980.2).
Identifiers: ClinVar variation 2506054 (VCV002506054.2), dbSNP rs1809107219, ClinGen allele CA1760929928.